The following is an entry in ClinVar:

ClinVar aggregate classification (germline): Uncertain significance. Review status: criteria provided, multiple submitters, no conflicts (2 of 4 stars). 2 submissions from 2 submitters: Uncertain significance (2). Last evaluated 2025-09-10.

Conditions:
Inborn genetic diseases. Identifiers: MedGen C0950123, MeSH D030342.

gnomAD v4.1: 15 of 1,611,260 alleles (0.00093%); highest among the groups gnomAD compares: Non-Finnish European, 0.0013%; no homozygotes.

Submissions (2):

Labcorp Genetics (formerly Invitae), Labcorp
Classification: Uncertain significance. Last evaluated: 2025-09-10. Review status: criteria provided, single submitter. Criteria: Invitae Variant Classification Sherloc (09022015). Collection method: clinical testing. Allele origin: germline.
Comment: This sequence change replaces lysine, which is basic and polar, with asparagine, which is neutral and polar, at codon 379 of the SAMD9 protein (p.Lys379Asn). This variant is present in population databases (rs779477356, gnomAD 0.002%). This variant has not been reported in the literature in individuals affected with SAMD9-related conditions. ClinVar contains an entry for this variant (Variation ID: 3791959). Invitae Evidence Modeling of protein sequence and biophysical properties (such as structural, functional, and spatial information, amino acid conservation, physicochemical variation, residue mobility, and thermodynamic stability) indicates that this missense variant is not expected to disrupt SAMD9 protein function with a negative predictive value of 95%. In summary, the available evidence is currently insufficient to determine the role of this variant in disease. Therefore, it has been classified as a Variant of Uncertain Significance.

Ambry Genetics
Classification: Uncertain significance for Inborn genetic diseases. Last evaluated: 2024-12-30. Review status: criteria provided, single submitter. Criteria: Ambry Variant Classification Scheme 2023. Collection method: clinical testing. Allele origin: germline.
Comment: The p.K379N variant (also known as c.1137A>C), located in coding exon 1 of the SAMD9 gene, results from an A to C substitution at nucleotide position 1137. The lysine at codon 379 is replaced by asparagine, an amino acid with similar properties. This amino acid position is conserved. In addition, this alteration is predicted to be tolerated by in silico analysis. Based on the available evidence, the clinical significance of this variant remains unclear.

NM_017654.4(SAMD9):c.1137A>C (p.Lys379Asn)

Gene: SAMD9 (sterile alpha motif domain containing 9; minus strand). Cytogenetic location: 7q21.2.
Variant type: single nucleotide variant.
Coding change: c.1137A>C on transcript NM_017654.4 (MANE Select); coding-DNA position 1137, A replaced by C.
Protein change: p.Lys379Asn; replaces lysine 379 with asparagine.
Molecular consequence: missense variant.
Genome position (GRCh38, 1-based): chr7:93,104,961, T>G on the plus strand (A>C on the coding strand, the complement: SAMD9 is on the minus strand). VCF-style: chr7-93104961-T-G. GRCh37 (hg19) VCF-style: chr7-92734274-T-G.
Other names: c.1137A>C, p.Lys379Asn (NM_001193307.2); short protein forms K379N.
Identifiers: ClinVar variation 3791959 (VCV003791959.2).